The following is an entry in ClinVar:

NM_001097577.3(ANG):c.200A>G (p.Asn67Ser)

Genes: EGILA (EGFR interacting lncRNA; minus strand), RNASE4 (ribonuclease A family member 4; plus strand), ANG (angiogenin; plus strand). Cytogenetic location: 14q11.2.
Variant type: single nucleotide variant.
Coding change: c.200A>G on transcript NM_001097577.3 (MANE Select); coding-DNA position 200, A replaced by G.
Protein change: p.Asn67Ser; replaces asparagine 67 with serine.
Molecular consequence: missense variant. On other transcripts: intron variant (4).
Genome position (GRCh38, 1-based): chr14:20,693,764, A>G. VCF-style: chr14-20693764-A-G. GRCh37 (hg19) VCF-style: chr14-21161923-A-G.
Other names: c.200A>G, p.Asn67Ser (NM_001145.4, NM_001385271.1, NM_001385272.1 and 2 more transcripts); c.-18+114A>G (NM_001282192.2); c.-17-5591A>G (NM_002937.5, NM_001282193.2); c.-18+4890A>G (NM_194431.3); short protein forms N67S.
Identifiers: ClinVar variation 2027857 (VCV002027857.4), dbSNP rs2502152071, ClinGen allele CA389114812.

ClinVar aggregate classification (germline): Uncertain significance (1 of 4 stars; one submission).

Submission:

Labcorp Genetics (formerly Invitae), Labcorp
Classification: Uncertain significance. Last evaluated: 2022-08-30. Review status: criteria provided, single submitter. Criteria: Invitae Variant Classification Sherloc (09022015). Collection method: clinical testing. Allele origin: germline.
Comment: This sequence change replaces asparagine, which is neutral and polar, with serine, which is neutral and polar, at codon 67 of the ANG protein (p.Asn67Ser). This variant is not present in population databases (gnomAD no frequency). This variant has not been reported in the literature in individuals affected with ANG-related conditions. Algorithms developed to predict the effect of missense changes on protein structure and function (SIFT, PolyPhen-2, Align-GVGD) all suggest that this variant is likely to be disruptive. In summary, the available evidence is currently insufficient to determine the role of this variant in disease. Therefore, it has been classified as a Variant of Uncertain Significance.